The following is an entry in ClinVar:

ClinVar aggregate classification (germline): Uncertain significance (1 of 4 stars; one submission).

Conditions:
Tuberous sclerosis 2 (TSC2). Identifiers: Orphanet 805, MedGen C1860707, MONDO:0013199, OMIM 613254.

Submission:

Labcorp Genetics (formerly Invitae), Labcorp
Classification: Uncertain significance for Tuberous sclerosis 2. Last evaluated: 2019-10-30. Review status: criteria provided, single submitter. Criteria: Invitae Variant Classification Sherloc (09022015). Collection method: clinical testing. Allele origin: germline.
Comment: This sequence change replaces arginine with proline at codon 1459 of the TSC2 protein (p.Arg1459Pro). The arginine residue is highly conserved and there is a moderate physicochemical difference between arginine and proline. This variant is not present in population databases (ExAC no frequency). This variant has not been reported in the literature in individuals with TSC2-related conditions. Algorithms developed to predict the effect of missense changes on protein structure and function are either unavailable or do not agree on the potential impact of this missense change (SIFT: "Deleterious"; PolyPhen-2: "Probably Damaging"; Align-GVGD: "Class C0"). In summary, the available evidence is currently insufficient to determine the role of this variant in disease. Therefore, it has been classified as a Variant of Uncertain Significance.

NM_000548.5(TSC2):c.4376G>C (p.Arg1459Pro)

Gene: TSC2 (TSC complex subunit 2; plus strand). Cytogenetic location: 16p13.3.
Variant type: single nucleotide variant.
Coding change: c.4376G>C on transcript NM_000548.5 (MANE Select); coding-DNA position 4376, G replaced by C.
Protein change: p.Arg1459Pro; replaces arginine 1459 with proline.
Molecular consequence: missense variant.
Genome position (GRCh38, 1-based): chr16:2,084,598, G>C. VCF-style: chr16-2084598-G-C. GRCh37 (hg19) VCF-style: chr16-2134599-G-C.
Other names: c.4175G>C, p.Arg1392Pro (NM_001077183.3); c.4307G>C, p.Arg1436Pro (NM_001114382.3); c.4067G>C, p.Arg1356Pro (NM_001318827.2); c.4031G>C, p.Arg1344Pro (NM_001318829.2); c.3644G>C, p.Arg1215Pro (NM_001318831.2); c.4208G>C, p.Arg1403Pro (NM_001318832.2); c.4178G>C, p.Arg1393Pro (NM_001363528.2); c.4244G>C, p.Arg1415Pro (NM_001370404.1); and 1 more; short protein forms R1436P, R1459P, R1392P, R1415P, R1215P, R1344P, R1356P, R1393P.
Identifiers: ClinVar variation 962135 (VCV000962135.9), dbSNP rs1555514409, ClinGen allele CA394301812.